The following is an entry in ClinVar:

ClinVar aggregate classification (germline): Uncertain significance (1 of 4 stars; one submission).

Conditions:
Hereditary cancer-predisposing syndrome. Also called: Neoplastic Syndromes, Hereditary; Tumor predisposition; Hereditary neoplastic syndrome; Hereditary Cancer Syndrome. Identifiers: Orphanet 140162, MedGen C0027672, MeSH D009386, MONDO:0015356.

Allele frequency attached by ClinVar (database versions not stated): gnomAD exomes below 0.00001.
gnomAD v4.1: 1 of 1,603,696 alleles (0.000062%); highest among the groups gnomAD compares: South Asian, 0.0011%; no homozygotes.

Submission:

Ambry Genetics
Classification: Uncertain significance for Hereditary cancer-predisposing syndrome. Last evaluated: 2023-09-21. Review status: criteria provided, single submitter. Criteria: Ambry Variant Classification Scheme 2023. Collection method: clinical testing. Allele origin: germline.
Comment: The p.T1189K variant (also known as c.3566C>A), located in coding exon 7 of the MSH6 gene, results from a C to A substitution at nucleotide position 3566. The threonine at codon 1189 is replaced by lysine, an amino acid with similar properties. This amino acid position is conserved. In addition, this alteration is predicted to be deleterious by in silico analysis. Since supporting evidence is limited at this time, the clinical significance of this alteration remains unclear.

NM_000179.3(MSH6):c.3566C>A (p.Thr1189Lys)

Gene: MSH6 (mutS homolog 6; plus strand). Cytogenetic location: 2p16.3.
Variant type: single nucleotide variant.
Coding change: c.3566C>A on transcript NM_000179.3 (MANE Select); coding-DNA position 3566, C replaced by A.
Protein change: p.Thr1189Lys; replaces threonine 1189 with lysine.
Molecular consequence: missense variant. On other transcripts: non-coding transcript variant (5).
Genome position (GRCh38, 1-based): chr2:47,805,627, C>A. VCF-style: chr2-47805627-C-A. GRCh37 (hg19) VCF-style: chr2-48032766-C-A.
Other names: c.3176C>A, p.Thr1059Lys (NM_001281492.2); c.2660C>A, p.Thr887Lys (NM_001281493.2, NM_001281494.2, NM_001406811.1 and 6 more transcripts); c.3662C>A, p.Thr1221Lys (NM_001406795.1, NM_001406802.1); c.3566C>A, p.Thr1189Lys (NM_001406796.1, NM_001406800.1, NM_001406808.1 and 1 more transcripts); c.3269C>A, p.Thr1090Lys (NM_001406797.1, NM_001406801.1, NM_001406805.1 and 10 more transcripts); c.3392C>A, p.Thr1131Lys (NM_001406798.1); c.3041C>A, p.Thr1014Lys (NM_001406799.1, NM_001406806.1, NM_001406807.1); c.2702C>A, p.Thr901Lys (NM_001406803.1); and 7 more; short protein forms T1014K, T1059K, T1090K, T1131K, T1133K, T1163K, T116K, T1189K.
Identifiers: ClinVar variation 3230557 (VCV003230557.1), dbSNP rs2104522301, ClinGen allele CA346760456.
Genomic context (GRCh38, chr2:47,805,627, plus strand): 5'-GTAATATGATTTGCAAAATGAGTATTCATTTGTGATTTTTTTTTTTTTAAGGTGAAAGTA[C>A]ATTTTTTGTTGAATTAAGTGAAACTGCCAGCATACTCATGCATGCAACAGCACATTCTCT-3'
Protein context (NP_000170.1, residues 1179-1199): ASDRIMSGES[Thr1189Lys]FFVELSETAS